The following is an entry in ClinVar:

NM_001105206.3(LAMA4):c.3982_4018dup (p.Lys1340delinsSerArgTer)

Gene: LAMA4 (laminin subunit alpha 4; minus strand). Cytogenetic location: 6q21.
Variant type: Duplication.
Coding change: c.3982_4018dup on transcript NM_001105206.3 (MANE Select); coding-DNA positions 3982 to 4018, 37 bases duplicated.
Protein change: p.Lys1340delinsSerArgTer.
Molecular consequence: nonsense.
Genome position (GRCh38, 1-based): chr6:112,129,991-112,130,027, 37 bases duplicated; duplicating any 37 consecutive bases within chr6:112,129,991-112,130,028 gives the same sequence; the c. name uses the placement nearest the transcript's 3' end. GRCh37 (hg19): chr6:112,451,194-112,451,230.
Other names: c.3961_3997dup, p.Lys1333delinsSerArgTer (NM_002290.5, NM_001105207.3).
Identifiers: ClinVar variation 3722628 (VCV003722628.2).
Genomic context (GRCh38, chr6:112,129,990, plus strand): 5'-ATTGGTGAGCCACCGAAGTAAAACTTCTTTTCACTTGCTTGTGTCTGTTCTATTTTCCCT[T>TTGGTAGGATTCTTACTCCCAACTCTGCTTTTATCTAC]TGGTAGGATTCTTACTCCCAACTCTGCTTTTATCTACTATCAGTTCATATCTGCAAAAGA-3'

ClinVar aggregate classification (germline): Uncertain significance (1 of 4 stars; one submission).

Conditions:
Dilated cardiomyopathy 1JJ (CMD1JJ). Identifiers: Orphanet 154, MedGen C3808935, MONDO:0014095, OMIM 615235.

Submission:

Labcorp Genetics (formerly Invitae), Labcorp
Classification: Uncertain significance for Dilated cardiomyopathy 1JJ. Last evaluated: 2024-10-10. Review status: criteria provided, single submitter. Criteria: Invitae Variant Classification Sherloc (09022015). Collection method: clinical testing. Allele origin: germline.
Comment: This sequence change creates a premature translational stop signal (p.Lys1333Serfs*3) in the LAMA4 gene. It is expected to result in an absent or disrupted protein product. However, the current clinical and genetic evidence is not sufficient to establish whether loss-of-function variants in LAMA4 cause disease. This variant is not present in population databases (gnomAD no frequency). This variant has not been reported in the literature in individuals affected with LAMA4-related conditions. In summary, the available evidence is currently insufficient to determine the role of this variant in disease. Therefore, it has been classified as a Variant of Uncertain Significance.